The following is an entry in ClinVar:

NM_007198.4(PLPBP):c.493G>A (p.Val165Met)

Gene: PLPBP (pyridoxal phosphate binding protein; plus strand). Cytogenetic location: 8p11.23.
Variant type: single nucleotide variant.
Coding change: c.493G>A on transcript NM_007198.4 (MANE Select); coding-DNA position 493, G replaced by A.
Protein change: p.Val165Met; replaces valine 165 with methionine.
Molecular consequence: missense variant.
Genome position (GRCh38, 1-based): chr8:37,775,377, G>A. VCF-style: chr8-37775377-G-A. GRCh37 (hg19) VCF-style: chr8-37632895-G-A.
Other names: c.523G>A, p.Val175Met (NM_001349346.2); c.487G>A, p.Val163Met (NM_001349347.2); c.337G>A, p.Val113Met (NM_001349348.2); short protein forms V113M, V163M, V165M, V175M.
Identifiers: ClinVar variation 2202949 (VCV002202949.2), dbSNP rs765024567, ClinGen allele CA4711257.
Genomic context (GRCh38, chr8:37,775,377, plus strand): 5'-TTTTCTGTTTCTTTTCTTGAAGGTAAACATGGCCTTCCACCTTCAGAGACCATAGCCATC[G>A]TGGAGCACATAAACGCCAAGTGTCCTAACCTGGAGTTTGTGGGGCTGATGACCATAGGAA-3'
Protein context (NP_009129.1, residues 155-175): GLPPSETIAI[Val165Met]EHINAKCPNL

ClinVar aggregate classification (germline): Uncertain significance (1 of 4 stars; one submission).

Allele frequency attached by ClinVar (database versions not stated): ExAC 0.00001; gnomAD 0.00001; gnomAD exomes 0.00001; TOPMed 0.00001.
gnomAD v4.1: 16 of 1,614,056 alleles (0.00099%); highest among the groups gnomAD compares: East Asian, 0.0022%; no homozygotes.

Submission:

Labcorp Genetics (formerly Invitae), Labcorp
Classification: Uncertain significance. Last evaluated: 2022-05-24. Review status: criteria provided, single submitter. Criteria: Invitae Variant Classification Sherloc (09022015). Collection method: clinical testing. Allele origin: germline.
Comment: In summary, the available evidence is currently insufficient to determine the role of this variant in disease. Therefore, it has been classified as a Variant of Uncertain Significance. Algorithms developed to predict the effect of missense changes on protein structure and function are either unavailable or do not agree on the potential impact of this missense change (SIFT: "Deleterious"; PolyPhen-2: "Probably Damaging"; Align-GVGD: "Class C0"). This variant has not been reported in the literature in individuals affected with PROSC-related conditions. This variant is present in population databases (rs765024567, gnomAD 0.005%). This sequence change replaces valine, which is neutral and non-polar, with methionine, which is neutral and non-polar, at codon 165 of the PROSC protein (p.Val165Met).